The following is an entry in ClinVar:

ClinVar aggregate classification (germline): Uncertain significance. Review status: criteria provided, multiple submitters, no conflicts (2 of 4 stars). 5 submissions from 5 submitters: Uncertain significance (5). Last evaluated 2025-05-05.

Conditions:
Ehlers-Danlos syndrome (EDS). Identifiers: Orphanet 98249, MedGen C0013720, MONDO:0020066.
Familial thoracic aortic aneurysm and aortic dissection (TAAD). Also called: Thoracic aortic aneurysms and dissections. Identifiers: Orphanet 91387, MedGen C4707243, MONDO:0019625.
Ehlers-Danlos syndrome, classic type, 1 (EDSCL1). Also called: EDS I; Ehlers-Danlos syndrome, type 1; EHLERS-DANLOS SYNDROME, GRAVIS TYPE; EHLERS-DANLOS SYNDROME, SEVERE CLASSIC TYPE; Ehlers-Danlos Syndrome, Classic Type, COL5A1-Related. Identifiers: MedGen C0268335, MONDO:0019567, OMIM 130000.

Submissions (5):

Ambry Genetics
Classification: Uncertain significance for Familial thoracic aortic aneurysm and aortic dissection. Last evaluated: 2025-05-05. Review status: criteria provided, single submitter. Criteria: Ambry Variant Classification Scheme 2023. Collection method: clinical testing. Allele origin: germline.
Comment: The p.V1201I variant (also known as c.3601G>A), located in coding exon 50 of the COL5A2 gene, results from a G to A substitution at nucleotide position 3601. The valine at codon 1201 is replaced by isoleucine, an amino acid with highly similar properties. This amino acid position is not well conserved in available vertebrate species. In addition, the in silico prediction for this alteration is inconclusive. Based on the available evidence, the clinical significance of this variant remains unclear.

Women's Health and Genetics/Laboratory Corporation of America, LabCorp
Classification: Uncertain significance. Last evaluated: 2024-08-14. Review status: criteria provided, single submitter. Criteria: LabCorp Variant Classification Summary - May 2015. Collection method: clinical testing. Allele origin: germline.
Comment: Variant summary: COL5A2 c.3601G>A (p.Val1201Ile) results in a conservative amino acid change in the encoded protein sequence. Five of five in-silico tools predict a benign effect of the variant on protein function. The variant was absent in 251448 control chromosomes. The available data on variant occurrences in the general population are insufficient to allow any conclusion about variant significance. To our knowledge, no occurrence of c.3601G>A in individuals affected with Ehlers-Danlos Syndrome and no experimental evidence demonstrating its impact on protein function have been reported. ClinVar contains an entry for this variant (Variation ID: 1702228). Based on the evidence outlined above, the variant was classified as uncertain significance.

GeneDx
Classification: Uncertain significance. Last evaluated: 2024-08-06. Review status: criteria provided, single submitter. Criteria: GeneDx Variant Classification Process June 2021. Collection method: clinical testing. Allele origin: germline. Affected: yes.
Comment: Has not been previously published as pathogenic or benign to our knowledge; Not observed at significant frequency in large population cohorts (gnomAD); In silico analysis indicates that this missense variant does not alter protein structure/function

Labcorp Genetics (formerly Invitae), Labcorp
Classification: Uncertain significance for Ehlers-Danlos syndrome, classic type, 1. Last evaluated: 2024-05-29. Review status: criteria provided, single submitter. Criteria: Invitae Variant Classification Sherloc (09022015). Collection method: clinical testing. Allele origin: germline.
Comment: This sequence change replaces valine, which is neutral and non-polar, with isoleucine, which is neutral and non-polar, at codon 1201 of the COL5A2 protein (p.Val1201Ile). This variant is not present in population databases (gnomAD no frequency). This variant has not been reported in the literature in individuals affected with COL5A2-related conditions. ClinVar contains an entry for this variant (Variation ID: 1702228). Advanced modeling of protein sequence and biophysical properties (such as structural, functional, and spatial information, amino acid conservation, physicochemical variation, residue mobility, and thermodynamic stability) performed at Invitae indicates that this missense variant is not expected to disrupt COL5A2 protein function with a negative predictive value of 95%. In summary, the available evidence is currently insufficient to determine the role of this variant in disease. Therefore, it has been classified as a Variant of Uncertain Significance.

Genome Diagnostics Laboratory, The Hospital for Sick Children
Classification: Uncertain significance for Ehlers-Danlos syndrome. Last evaluated: 2021-03-31. Review status: criteria provided, single submitter. Criteria: ACMG Guidelines, 2015. Collection method: clinical testing. Allele origin: germline.

NM_000393.5(COL5A2):c.3601G>A (p.Val1201Ile)

Gene: COL5A2 (collagen type V alpha 2 chain; minus strand). Cytogenetic location: 2q32.2.
Variant type: single nucleotide variant.
Coding change: c.3601G>A on transcript NM_000393.5 (MANE Select); coding-DNA position 3601, G replaced by A.
Protein change: p.Val1201Ile; replaces valine 1201 with isoleucine.
Molecular consequence: missense variant.
Genome position (GRCh38, 1-based): chr2:189,041,618, C>T on the plus strand (G>A on the coding strand, the complement: COL5A2 is on the minus strand). VCF-style: chr2-189041618-C-T. GRCh37 (hg19) VCF-style: chr2-189906344-C-T.
Other names: short protein forms V1201I.
Identifiers: ClinVar variation 1702228 (VCV001702228.8), dbSNP rs1685564109, ClinGen allele CA349859675.